The following is an entry in ClinVar:

ClinVar aggregate classification (germline): Likely benign (1 of 4 stars; one submission).

gnomAD v4.1: 3 of 1,552,082 alleles (0.00019%); highest among the groups gnomAD compares: Non-Finnish European, 0.00026%; no homozygotes.

Submission:

CeGaT Center for Human Genetics Tuebingen
Classification: Likely benign. Last evaluated: 2025-12-01. Review status: criteria provided, single submitter. Criteria: CeGaT Center For Human Genetics Tuebingen Variant Classification Criteria Version 2. Collection method: clinical testing. Allele origin: germline. Affected: yes. Observed: 1 variant allele.
Comment: SETD2: BP4

NM_014159.7(SETD2):c.1351A>G (p.Thr451Ala)

Gene: SETD2 (SET domain containing 2, histone lysine methyltransferase; minus strand). Cytogenetic location: 3p21.31.
Variant type: single nucleotide variant.
Coding change: c.1351A>G on transcript NM_014159.7 (MANE Select); coding-DNA position 1351, A replaced by G.
Protein change: p.Thr451Ala; replaces threonine 451 with alanine.
Molecular consequence: missense variant. On other transcripts: non-coding transcript variant (1).
Genome position (GRCh38, 1-based): chr3:47,123,285, T>C on the plus strand (A>G on the coding strand, the complement: SETD2 is on the minus strand). VCF-style: chr3-47123285-T-C. GRCh37 (hg19) VCF-style: chr3-47164775-T-C.
Other names: c.1219A>G, p.Thr407Ala (NM_001349370.3); short protein forms T407A, T451A.
Identifiers: ClinVar variation 4681609 (VCV004681609.5).